The following is an entry in ClinVar:

NM_005670.4(EPM2A):c.96G>A (p.Trp32Ter)

Genes: EPM2A (EPM2A glucan phosphatase, laforin; minus strand), EPM2A-DT (EPM2A divergent transcript; plus strand), LOC129997381 (ATAC-STARR-seq lymphoblastoid silent region 17642; plus strand). Cytogenetic location: 6q24.3.
Variant type: single nucleotide variant.
Coding change: c.96G>A on transcript NM_005670.4 (MANE Select); coding-DNA position 96, G replaced by A.
Protein change: p.Trp32Ter; replaces tryptophan 32 with a stop codon.
Molecular consequence: nonsense. On other transcripts: 5 prime UTR variant (3), intron variant (1).
Genome position (GRCh38, 1-based): chr6:145,735,403, C>T on the plus strand (G>A on the coding strand, the complement: EPM2A is on the minus strand). VCF-style: chr6-145735403-C-T. GRCh37 (hg19) VCF-style: chr6-146056539-C-T.
Other names: c.96G>A, p.Trp32Ter (NM_001018041.2, NM_001360057.2, NM_001368130.1); c.-574G>A (NM_001360071.2); c.-528G>A (NM_001368129.2); c.-272G>A (NM_001368131.1); c.-114+505G>A (NM_001360064.2); short protein forms W32*.
Identifiers: ClinVar variation 2024510 (VCV002024510.4), dbSNP rs2534174818, ClinGen allele CA366188402.
Genomic context (GRCh38, chr6:145,735,403, plus strand): 5'-CAGGGCCCCGTCGCCCGCCGCGGTGCCGGCCGGCCTCAGGCGGACGGCACCGCGCGGCTC[C>T]CAACGCCCCAGCTCGGGCCGCGACCCCACCACCAGCAGCTCCGGCCGGGCGCCGGCCACG-3'

ClinVar aggregate classification (germline): Pathogenic (1 of 4 stars; one submission).

Conditions:
Progressive myoclonic epilepsy. Also called: Myoclonic Epilepsies, Progressive; Familial progressive myoclonic epilepsy; Progressive myoclonus epilepsy; Myoclonus epilepsy. Identifiers: Orphanet 308, Orphanet 98261, MedGen C0751778, MONDO:0020074.

Submission:

Labcorp Genetics (formerly Invitae), Labcorp
Classification: Pathogenic for Progressive myoclonic epilepsy. Last evaluated: 2022-08-17. Review status: criteria provided, single submitter. Criteria: Invitae Variant Classification Sherloc (09022015). Collection method: clinical testing. Allele origin: germline.
Comment: For these reasons, this variant has been classified as Pathogenic. This variant has not been reported in the literature in individuals affected with EPM2A-related conditions. This variant is not present in population databases (gnomAD no frequency). This sequence change creates a premature translational stop signal (p.Trp32*) in the EPM2A gene. It is expected to result in an absent or disrupted protein product. Loss-of-function variants in EPM2A are known to be pathogenic (PMID: 20738377).

Literature cited by the submitters: PubMed 20738377.